The following is an entry in ClinVar:

NM_198075.4(LRRC56):c.1532G>C (p.Arg511Pro)

Gene: LRRC56 (leucine rich repeat containing 56; plus strand). Cytogenetic location: 11p15.5.
Variant type: single nucleotide variant.
Coding change: c.1532G>C on transcript NM_198075.4 (MANE Select); coding-DNA position 1532, G replaced by C.
Protein change: p.Arg511Pro; replaces arginine 511 with proline.
Molecular consequence: missense variant.
Genome position (GRCh38, 1-based): chr11:554,179, G>C. VCF-style: chr11-554179-G-C. GRCh37 (hg19) VCF-style: chr11-554179-G-C.
Other names: c.1532G>C (NM_198075.3); short protein forms R511P.
Identifiers: ClinVar variation 1942832 (VCV001942832.4), dbSNP rs367633088, ClinGen allele CA5780132.

ClinVar aggregate classification (germline): Uncertain significance. Review status: criteria provided, multiple submitters, no conflicts (2 of 4 stars). 2 submissions from 2 submitters: Uncertain significance (2). Last evaluated 2025-08-13.

Allele frequency attached by ClinVar (database versions not stated): ESP Exome Variant Server 0.00008.
gnomAD v4.1: 14 of 1,572,856 alleles (0.00089%); highest among the groups gnomAD compares: East Asian, 0.0045%; no homozygotes.

Submissions (2):

Ambry Genetics
Classification: Uncertain significance. Last evaluated: 2025-08-13. Review status: criteria provided, single submitter. Criteria: Ambry Variant Classification Scheme 2023. Collection method: clinical testing. Allele origin: germline.

Labcorp Genetics (formerly Invitae), Labcorp
Classification: Uncertain significance. Last evaluated: 2022-07-01. Review status: criteria provided, single submitter. Criteria: Invitae Variant Classification Sherloc (09022015). Collection method: clinical testing. Allele origin: germline.
Comment: In summary, the available evidence is currently insufficient to determine the role of this variant in disease. Therefore, it has been classified as a Variant of Uncertain Significance. Algorithms developed to predict the effect of missense changes on protein structure and function output the following: SIFT: "Deleterious"; PolyPhen-2: "Benign"; Align-GVGD: "Class C0". The proline amino acid residue is found in multiple mammalian species, which suggests that this missense change does not adversely affect protein function. This variant has not been reported in the literature in individuals affected with LRRC56-related conditions. This variant is present in population databases (rs367633088, gnomAD 0.007%). This sequence change replaces arginine, which is basic and polar, with proline, which is neutral and non-polar, at codon 511 of the LRRC56 protein (p.Arg511Pro).